The following is an entry in ClinVar:

ClinVar aggregate classification (germline): Uncertain significance (1 of 4 stars; one submission).

Submission:

GeneDx
Classification: Uncertain significance. Last evaluated: 2024-03-08. Review status: criteria provided, single submitter. Criteria: GeneDx Variant Classification Process June 2021. Collection method: clinical testing. Allele origin: germline. Affected: yes.
Comment: Not observed at significant frequency in large population cohorts (gnomAD); In silico analysis supports that this missense variant has a deleterious effect on protein structure/function; Has not been previously published as pathogenic or benign to our knowledge

NM_003660.4(PPFIA3):c.1966C>T (p.Pro656Ser)

Gene: PPFIA3 (PTPRF interacting protein alpha 3; plus strand). Cytogenetic location: 19q13.33.
Variant type: single nucleotide variant.
Coding change: c.1966C>T on transcript NM_003660.4 (MANE Select); coding-DNA position 1966, C replaced by T.
Protein change: p.Pro656Ser; replaces proline 656 with serine.
Molecular consequence: missense variant.
Genome position (GRCh38, 1-based): chr19:49,138,317, C>T. VCF-style: chr19-49138317-C-T. GRCh37 (hg19) VCF-style: chr19-49641574-C-T.
Other names: short protein forms P656S.
Identifiers: ClinVar variation 3373582 (VCV003373582.1).